The following is an entry in ClinVar:

NM_006231.4(POLE):c.2698A>G (p.Met900Val)

Gene: POLE (DNA polymerase epsilon, catalytic subunit; minus strand). Cytogenetic location: 12q24.33.
Variant type: single nucleotide variant.
Coding change: c.2698A>G on transcript NM_006231.4 (MANE Select); coding-DNA position 2698, A replaced by G.
Protein change: p.Met900Val; replaces methionine 900 with valine.
Molecular consequence: missense variant.
Genome position (GRCh38, 1-based): chr12:132,664,012, T>C on the plus strand (A>G on the coding strand, the complement: POLE is on the minus strand). VCF-style: chr12-132664012-T-C. GRCh37 (hg19) VCF-style: chr12-133240598-T-C.
Other names: c.2698A>G (NM_006231.2); short protein forms M900V.
Identifiers: ClinVar variation 1432761 (VCV001432761.8), dbSNP rs150091117, ClinGen allele CA246318650.

ClinVar aggregate classification (germline): Uncertain significance. Review status: criteria provided, multiple submitters, no conflicts (2 of 4 stars). 3 submissions from 3 submitters: Uncertain significance (3). Last evaluated 2025-11-11.

Allele frequency attached by ClinVar (database versions not stated): gnomAD exomes below 0.00001; gnomAD 0.00001; ESP Exome Variant Server 0.00008.
gnomAD v4.1: 9 of 1,614,072 alleles (0.00056%); highest among the groups gnomAD compares: African/African-American, 0.0067%; no homozygotes.

Submissions (3):

Labcorp Genetics (formerly Invitae), Labcorp
Classification: Uncertain significance. Last evaluated: 2025-11-11. Review status: criteria provided, single submitter. Criteria: Invitae Variant Classification Sherloc (09022015). Collection method: clinical testing. Allele origin: germline.
Comment: This sequence change replaces methionine, which is neutral and non-polar, with valine, which is neutral and non-polar, at codon 900 of the POLE protein (p.Met900Val). This variant is not present in population databases (gnomAD no frequency). This variant has not been reported in the literature in individuals affected with POLE-related conditions. ClinVar contains an entry for this variant (Variation ID: 1432761). Invitae Evidence Modeling of protein sequence and biophysical properties (such as structural, functional, and spatial information, amino acid conservation, physicochemical variation, residue mobility, and thermodynamic stability) indicates that this missense variant is not expected to disrupt POLE protein function with a negative predictive value of 80%. In summary, the available evidence is currently insufficient to determine the role of this variant in disease. Therefore, it has been classified as a Variant of Uncertain Significance.

GeneDx
Classification: Uncertain significance. Last evaluated: 2025-05-05. Review status: criteria provided, single submitter. Criteria: GeneDx Variant Classification Process June 2021. Collection method: clinical testing. Allele origin: germline. Affected: yes.
Comment: Not observed at significant frequency in large population cohorts (gnomAD); In silico analysis supports that this missense variant has a deleterious effect on protein structure/function; Has not been previously published as pathogenic or benign to our knowledge; This variant is associated with the following publications: (PMID: 20951805)

Blueprint Genetics
Classification: Uncertain significance. Last evaluated: 2024-08-26. Review status: criteria provided, single submitter. Criteria: ACMG Guidelines, 2015. Collection method: clinical testing. Allele origin: germline.